The following is an entry in ClinVar:

NM_000057.4(BLM):c.1502T>A (p.Val501Glu)

Gene: BLM (BLM RecQ like helicase; plus strand). Cytogenetic location: 15q26.1.
Variant type: single nucleotide variant.
Coding change: c.1502T>A on transcript NM_000057.4 (MANE Select); coding-DNA position 1502, T replaced by A.
Protein change: p.Val501Glu; replaces valine 501 with glutamic acid.
Molecular consequence: missense variant.
Genome position (GRCh38, 1-based): chr15:90,760,875, T>A. VCF-style: chr15-90760875-T-A. GRCh37 (hg19) VCF-style: chr15-91304105-T-A.
Other names: c.1502T>A, p.Val501Glu (NM_001287246.2, NM_001287247.2); c.377T>A, p.Val126Glu (NM_001287248.2); short protein forms V126E, V501E.
Identifiers: ClinVar variation 819399 (VCV000819399.9), dbSNP rs1247170438, ClinGen allele CA393843197.

ClinVar aggregate classification (germline): Uncertain significance. Review status: criteria provided, multiple submitters, no conflicts (2 of 4 stars). 2 submissions from 2 submitters: Uncertain significance (2). Last evaluated 2025-12-11.

Conditions:
Bloom syndrome (BLM). Also called: Bloom-Torre-Machacek syndrome. Identifiers: Orphanet 125, MedGen C0005859, MONDO:0008876, OMIM 210900.
Hereditary cancer-predisposing syndrome. Also called: Tumor predisposition; Hereditary neoplastic syndrome; Neoplastic Syndromes, Hereditary; Hereditary Cancer Syndrome. Identifiers: Orphanet 140162, MedGen C0027672, MeSH D009386, MONDO:0015356.

Allele frequency attached by ClinVar (database versions not stated): gnomAD exomes 0.00001; TOPMed 0.00001.
gnomAD v4.1: 3 of 1,614,034 alleles (0.00019%); highest among the groups gnomAD compares: Admixed American, 0.0033%; no homozygotes.

Submissions (2):

Ambry Genetics
Classification: Uncertain significance for Hereditary cancer-predisposing syndrome. Last evaluated: 2025-12-11. Review status: criteria provided, single submitter. Criteria: Ambry Variant Classification Scheme 2023. Collection method: clinical testing. Allele origin: germline.
Comment: The p.V501E variant (also known as c.1502T>A), located in coding exon 6 of the BLM gene, results from a T to A substitution at nucleotide position 1502. The valine at codon 501 is replaced by glutamic acid, an amino acid with dissimilar properties. This amino acid position is highly conserved in available vertebrate species. In addition, the in silico prediction for this alteration is inconclusive. Since supporting evidence is limited at this time, the clinical significance of this alteration remains unclear.

Labcorp Genetics (formerly Invitae), Labcorp
Classification: Uncertain significance for Bloom syndrome. Last evaluated: 2022-08-09. Review status: criteria provided, single submitter. Criteria: Invitae Variant Classification Sherloc (09022015). Collection method: clinical testing. Allele origin: germline.
Comment: This sequence change replaces valine, which is neutral and non-polar, with glutamic acid, which is acidic and polar, at codon 501 of the BLM protein (p.Val501Glu). This variant is present in population databases (no rsID available, gnomAD 0.006%). This variant has not been reported in the literature in individuals affected with BLM-related conditions. ClinVar contains an entry for this variant (Variation ID: 819399). Algorithms developed to predict the effect of missense changes on protein structure and function are either unavailable or do not agree on the potential impact of this missense change (SIFT: "Tolerated"; PolyPhen-2: "Possibly Damaging"; Align-GVGD: "Class C0"). In summary, the available evidence is currently insufficient to determine the role of this variant in disease. Therefore, it has been classified as a Variant of Uncertain Significance.